The following is an entry in ClinVar:

ClinVar aggregate classification (germline): Uncertain significance (1 of 4 stars; one submission).

Conditions:
Intellectual developmental disorder with paroxysmal dyskinesia or seizures. Identifiers: MedGen C5436894, MONDO:0030900, OMIM 619150.

Allele frequency attached by ClinVar (database versions not stated): ExAC 0.00001; gnomAD exomes 0.00001; gnomAD 0.00002; TOPMed 0.00002.
gnomAD v4.1: 11 of 1,613,902 alleles (0.00068%); highest among the groups gnomAD compares: African/African-American, 0.013%; no homozygotes.

Submission:

Laboratorio de Genetica e Diagnostico Molecular, Hospital Israelita Albert Einstein
Classification: Uncertain significance for Intellectual developmental disorder with paroxysmal dyskinesia or seizures. Last evaluated: 2021-09-25. Review status: criteria provided, single submitter. Criteria: ACMG Guidelines, 2015. Collection method: clinical testing. Allele origin: germline. Affected: yes.
Comment: ACMG classification criteria: PM2 moderate, BP4 supporting

NM_002599.5(PDE2A):c.517G>A (p.Glu173Lys)

Gene: PDE2A (phosphodiesterase 2A; minus strand). Cytogenetic location: 11q13.4.
Variant type: single nucleotide variant.
Coding change: c.517G>A on transcript NM_002599.5 (MANE Select); coding-DNA position 517, G replaced by A.
Protein change: p.Glu173Lys; replaces glutamic acid 173 with lysine.
Molecular consequence: missense variant.
Genome position (GRCh38, 1-based): chr11:72,591,329, C>T on the plus strand (G>A on the coding strand, the complement: PDE2A is on the minus strand). VCF-style: chr11-72591329-C-T. GRCh37 (hg19) VCF-style: chr11-72302373-C-T.
Other names: c.496G>A, p.Glu166Lys (NM_001143839.4); c.490G>A, p.Glu164Lys (NM_001146209.3); c.454G>A, p.Glu152Lys (NM_001243784.2); short protein forms E152K, E164K, E166K, E173K.
Identifiers: ClinVar variation 1683595 (VCV001683595.2), dbSNP rs747387628, ClinGen allele CA6172528.